The following is an entry in ClinVar:

ClinVar aggregate classification (germline): Uncertain significance (1 of 4 stars; one submission).

Allele frequency attached by ClinVar (database versions not stated): gnomAD exomes 0.00001.
gnomAD v4.1: 11 of 1,613,650 alleles (0.00068%); highest among the groups gnomAD compares: Admixed American, 0.0017%; no homozygotes.

Submission:

GeneDx
Classification: Uncertain significance. Last evaluated: 2020-11-13. Review status: criteria provided, single submitter. Criteria: GeneDx Variant Classification Process June 2021. Collection method: clinical testing. Allele origin: germline. Affected: yes.
Comment: Not observed in large population cohorts (Lek et al., 2016); In silico analysis supports that this variant does not alter splicing; Has not been previously published as pathogenic or benign to our knowledge

NM_130839.5(UBE3A):c.1704C>T (p.Ser568=)

Genes: SNHG14 (small nucleolar RNA host gene 14; plus strand), UBE3A (ubiquitin protein ligase E3A; minus strand). Cytogenetic location: 15q11.2.
Variant type: single nucleotide variant.
Coding change: c.1704C>T on transcript NM_130839.5 (MANE Select); coding-DNA position 1704, C replaced by T.
Protein change: p.Ser568=; no amino-acid change (serine 568 retained).
Molecular consequence: synonymous variant. On other transcripts: non-coding transcript variant (1).
Genome position (GRCh38, 1-based): chr15:25,360,432, G>A on the plus strand (C>T on the coding strand, the complement: UBE3A is on the minus strand). VCF-style: chr15-25360432-G-A. GRCh37 (hg19) VCF-style: chr15-25605579-G-A.
Other names: c.1644C>T, p.Ser548= (NM_001354523.2, NM_001354526.1, NM_001354539.2 and 17 more transcripts); c.1704C>T, p.Ser568= (NM_001354538.2, NM_001354545.2, NM_001354505.1); c.1527C>T, p.Ser509= (NM_001354546.2); c.453C>T, p.Ser151= (NM_001354550.2); c.393C>T, p.Ser131= (NM_001354551.2); c.1713C>T, p.Ser571= (NM_000462.5).
Identifiers: ClinVar variation 1305593 (VCV001305593.2), dbSNP rs1177834519, ClinGen allele CA488924601.
Genomic context (GRCh38, chr15:25,360,432, plus strand): 5'-AATGTATTTACCAATATCTGGATTGAAGATTTCCTCCACAACCAGCTGAAAAAATTCTTT[G>A]GAAACACCTCCCTCATCAACTCCTTGTTCTCCTTCAAATTCCACATACAACTGCTTCTTC-3'
Protein context (NP_570854.1, residues 558-578): GEQGVDEGGV[Ser568=]KEFFQLVVEE